The following is an entry in ClinVar:

ClinVar aggregate classification (germline): Uncertain significance. Review status: criteria provided, multiple submitters, no conflicts (2 of 4 stars). 4 submissions from 4 submitters: Uncertain significance (4). Last evaluated 2025-07-23.

Conditions:
Familial cancer of breast. Also called: BREAST CANCER, FAMILIAL; Hereditary breast cancer; hereditary breast carcinoma. Identifiers: Orphanet 227535, MedGen C0346153, MONDO:0016419, OMIM 114480. Disease mechanism: loss of function.
Ataxia-telangiectasia syndrome (AT). Also called: Ataxia-telangiectasia, complementation group E; Ataxia-telangiectasia, complementation group D; Ataxia telangiectasia (A-T); LOUIS-BAR SYNDROME; ATAXIA-TELANGIECTASIA, COMPLEMENTATION GROUP A; ATAXIA-TELANGIECTASIA, FRESNO VARIANT. Identifiers: Orphanet 100, MedGen C0004135, MONDO:0008840, OMIM 208900.
Hereditary cancer-predisposing syndrome. Also called: Neoplastic Syndromes, Hereditary; Hereditary Cancer Syndrome; Tumor predisposition; Hereditary neoplastic syndrome. Identifiers: Orphanet 140162, MedGen C0027672, MeSH D009386, MONDO:0015356.

Submissions (4):

Ambry Genetics
Classification: Uncertain significance for Hereditary cancer-predisposing syndrome. Last evaluated: 2025-07-23. Review status: criteria provided, single submitter. Criteria: Ambry Variant Classification Scheme 2023. Collection method: clinical testing. Allele origin: germline.
Comment: The p.S169F variant (also known as c.506C>T), located in coding exon 5 of the ATM gene, results from a C to T substitution at nucleotide position 506. The serine at codon 169 is replaced by phenylalanine, an amino acid with highly dissimilar properties. This amino acid position is not well conserved in available vertebrate species. In addition, this alteration is predicted to be tolerated by in silico analysis. Based on the available evidence, the clinical significance of this variant remains unclear.

Labcorp Genetics (formerly Invitae), Labcorp
Classification: Uncertain significance for Ataxia-telangiectasia syndrome. Last evaluated: 2025-05-13. Review status: criteria provided, single submitter. Criteria: Invitae Variant Classification Sherloc (09022015). Collection method: clinical testing. Allele origin: germline.
Comment: This sequence change replaces serine, which is neutral and polar, with phenylalanine, which is neutral and non-polar, at codon 169 of the ATM protein (p.Ser169Phe). The frequency data for this variant in the population databases is considered unreliable, as metrics indicate poor data quality at this position in the gnomAD database. This variant has not been reported in the literature in individuals affected with ATM-related conditions. ClinVar contains an entry for this variant (Variation ID: 802725). Invitae Evidence Modeling of protein sequence and biophysical properties (such as structural, functional, and spatial information, amino acid conservation, physicochemical variation, residue mobility, and thermodynamic stability) indicates that this missense variant is not expected to disrupt ATM protein function with a negative predictive value of 95%. Algorithms developed to predict the effect of sequence changes on RNA splicing suggest that this variant may create or strengthen a splice site. In summary, the available evidence is currently insufficient to determine the role of this variant in disease. Therefore, it has been classified as a Variant of Uncertain Significance.

Baylor Genetics
Classification: Uncertain significance for Familial cancer of breast. Last evaluated: 2024-01-18. Review status: criteria provided, single submitter. Criteria: ACMG Guidelines, 2015. Collection method: clinical testing. Allele origin: unknown.

Mendelics
Classification: Uncertain significance for Ataxia-telangiectasia syndrome. Last evaluated: 2019-05-28. Review status: criteria provided, single submitter. Criteria: Mendelics Assertion Criteria 2017. Collection method: clinical testing. Allele origin: unknown.

NM_000051.4(ATM):c.506C>T (p.Ser169Phe)

Gene: ATM (ATM serine/threonine kinase; plus strand). Cytogenetic location: 11q22.3.
Variant type: single nucleotide variant.
Coding change: c.506C>T on transcript NM_000051.4 (MANE Select); coding-DNA position 506, C replaced by T.
Protein change: p.Ser169Phe; replaces serine 169 with phenylalanine.
Molecular consequence: missense variant.
Genome position (GRCh38, 1-based): chr11:108,243,962, C>T. VCF-style: chr11-108243962-C-T. GRCh37 (hg19) VCF-style: chr11-108114689-C-T.
Other names: c.506C>T (NM_000051.3); c.506C>T, p.Ser169Phe (NM_001351834.2); short protein forms S169F.
Identifiers: ClinVar variation 802725 (VCV000802725.3), dbSNP rs587779843, ClinGen allele CA382527461.
Genomic context (GRCh38, chr11:108,243,962, plus strand): 5'-ACATTTTGATTTTTAAAAAATCATGACTAATAATTTTTTTTTTTTTTTAAGAATTGTTCT[C>T]TGTGTACTTCAGGCTCTATCTGAAACCTTCACAAGATGTTCATAGAGTTTTAGTGGCTAG-3'
Protein context (NP_000042.3, residues 159-179): ISQQQWLELF[Ser169Phe]VYFRLYLKPS